The following is an entry in ClinVar:

NM_007294.4(BRCA1):c.4069G>C (p.Glu1357Gln)

Genes: BRCA1 (BRCA1 DNA repair associated; minus strand), LOC126862571 (BRD4-independent group 4 enhancer GRCh37_chr17:41243136-41244335; plus strand). Cytogenetic location: 17q21.31.
Variant type: single nucleotide variant.
Coding change: c.4069G>C on transcript NM_007294.4 (MANE Select); coding-DNA position 4069, G replaced by C.
Protein change: p.Glu1357Gln; replaces glutamic acid 1357 with glutamine.
Molecular consequence: missense variant. On other transcripts: intron variant (135).
Genome position (GRCh38, 1-based): chr17:43,091,462, C>G on the plus strand (G>C on the coding strand, the complement: BRCA1 is on the minus strand). VCF-style: chr17-43091462-C-G. GRCh37 (hg19) VCF-style: chr17-41243479-C-G.
Other names: c.3736G>C, p.Glu1246Gln (NM_001407950.1, NM_001407951.1, NM_001407952.1 and 6 more transcripts); c.3733G>C, p.Glu1245Gln (NM_001407954.1, NM_001407955.1, NM_001407956.1 and 1 more transcripts); c.3688G>C, p.Glu1230Gln (NM_001407959.1, NM_001407960.1, NM_001407963.1); c.3685G>C, p.Glu1229Gln (NM_001407962.1); c.3925G>C, p.Glu1309Gln (NM_001407964.1, NM_001407740.1, NM_001407741.1 and 20 more transcripts); c.3565G>C, p.Glu1189Gln (NM_001407965.1); c.3181G>C, p.Glu1061Gln (NM_001407966.1, NM_001407967.1); c.1465G>C, p.Glu489Gln (NM_001407968.1, NM_001407969.1); and 41 more; short protein forms E1310Q, E1357Q, E1289Q, E1315Q, E1354Q, E1356Q, E1229Q, E1269Q.
Identifiers: ClinVar variation 838493 (VCV000838493.13), dbSNP rs886040195, ClinGen allele CA10593821.
Genomic context (GRCh38, chr17:43,091,462, plus strand): 5'-ACTGGGGCAAACACAAAAACCTGGTTCCAATACCTAAGTTTGAATCCATGCTTTGCTCTT[C>G]TTGATTATTTTCTTCCAAGCCCGTTCCTCTTTCTTCATCATCTGAAACCAATTCCTTGTC-3'
Protein context (NP_009225.1, residues 1347-1367): RGTGLEENNQ[Glu1357Gln]EQSMDSNLGE

ClinVar aggregate classification (germline): Conflicting classifications of pathogenicity. Review status: criteria provided, conflicting classifications (1 of 4 stars). 2 submissions from 2 submitters: Uncertain significance (1); Likely benign (1). Last evaluated 2025-02-20.

Conditions:
Hereditary breast ovarian cancer syndrome. Also called: Hereditary breast and ovarian cancer syndrome (HBOC); Hereditary breast and ovarian cancer; Hereditary breast and/or ovarian cancer syndrome; Hereditary breast and ovarian cancer syndrome; Breast and ovarian cancer; BRCA1- and BRCA2-Associated Hereditary Breast and Ovarian Cancer. Identifiers: Orphanet 145, MedGen C0677776, MeSH D061325, MONDO:0003582. Disease mechanism: loss of function.
Hereditary cancer-predisposing syndrome. Also called: Neoplastic Syndromes, Hereditary; Tumor predisposition; Hereditary neoplastic syndrome; Hereditary Cancer Syndrome. Identifiers: Orphanet 140162, MedGen C0027672, MeSH D009386, MONDO:0015356.

Submissions (2):

Labcorp Genetics (formerly Invitae), Labcorp
Classification: Uncertain significance for Hereditary breast ovarian cancer syndrome. Last evaluated: 2025-02-20. Review status: criteria provided, single submitter. Criteria: Invitae Variant Classification Sherloc (09022015). Collection method: clinical testing. Allele origin: germline.
Comment: This sequence change replaces glutamic acid, which is acidic and polar, with glutamine, which is neutral and polar, at codon 1357 of the BRCA1 protein (p.Glu1357Gln). This variant is not present in population databases (gnomAD no frequency). This variant has not been reported in the literature in individuals affected with BRCA1-related conditions. ClinVar contains an entry for this variant (Variation ID: 838493). Invitae Evidence Modeling of protein sequence and biophysical properties (such as structural, functional, and spatial information, amino acid conservation, physicochemical variation, residue mobility, and thermodynamic stability) indicates that this missense variant is not expected to disrupt BRCA1 protein function with a negative predictive value of 80%. In summary, the available evidence is currently insufficient to determine the role of this variant in disease. Therefore, it has been classified as a Variant of Uncertain Significance.

University of Washington Department of Laboratory Medicine, University of Washington
Classification: Likely benign for Hereditary cancer-predisposing syndrome. Last evaluated: 2023-03-23. Review status: criteria provided, single submitter. Criteria: Dines et al. (Genet Med. 2020). Collection method: curation. Allele origin: germline.
Comment: Missense variant in a coldspot region where missense variants are very unlikely to be pathogenic (PMID:31911673).

BRCA1 coldspot (exon 11 using historical exon numbering). Reclassification based on statistical prior probability